The following is an entry in ClinVar:

NM_007194.4(CHEK2):c.58C>T (p.Gln20Ter)

Gene: CHEK2 (checkpoint kinase 2; minus strand). Cytogenetic location: 22q12.1.
Variant type: single nucleotide variant.
Coding change: c.58C>T on transcript NM_007194.4 (MANE Select); coding-DNA position 58, C replaced by T.
Protein change: p.Gln20Ter; replaces glutamine 20 with a stop codon.
Molecular consequence: nonsense.
Genome position (GRCh38, 1-based): chr22:28,734,664, G>A on the plus strand (C>T on the coding strand, the complement: CHEK2 is on the minus strand). VCF-style: chr22-28734664-G-A. GRCh37 (hg19) VCF-style: chr22-29130652-G-A.
Other names: c.58C>T, p.Gln20Ter (NM_001005735.3, NM_001349956.3, NM_145862.3); c.-720C>T (NM_001257387.3); short protein forms Q20*.
Identifiers: ClinVar variation 133887 (VCV000133887.45), dbSNP rs536907995, ClinGen allele CA158093.

ClinVar aggregate classification (germline): Pathogenic/Likely pathogenic. Review status: criteria provided, multiple submitters, no conflicts (2 of 4 stars). 23 submissions from 23 submitters: Pathogenic (10); Likely pathogenic (4). 9 of the submissions do not count toward it. Last evaluated 2026-02-02.

Conditions:
Familial cancer of breast. Also called: BREAST CANCER, FAMILIAL; hereditary breast carcinoma; Hereditary breast cancer. Identifiers: Orphanet 227535, MedGen C0346153, MONDO:0016419, OMIM 114480. Disease mechanism: loss of function.
CHEK2-related cancer predisposition (TPDS4). Also called: TUMOR PREDISPOSITION SYNDROME 4; CANCER PREDISPOSITION SYNDROME, CHEK2-RELATED; CHEK2-related cancer susceptibility. Identifiers: Orphanet 524, MedGen C5882668, MONDO:0700271, OMIM 609265.
Bone osteosarcoma. Also called: Osteosarcoma, somatic. Identifiers: Orphanet 668, MedGen C0585442, MONDO:0002629, OMIM 259500.
Familial prostate cancer. Also called: Hereditary Prostate Cancer. Identifiers: MedGen C2931456, MONDO:0700275, OMIM 176807.
Inherited breast cancer and ovarian cancer.
Familial ovarian cancer. Identifiers: MedGen C5679802, MONDO:0016248.
Hereditary cancer-predisposing syndrome. Also called: Neoplastic Syndromes, Hereditary; Hereditary neoplastic syndrome; Hereditary Cancer Syndrome; Tumor predisposition. Identifiers: Orphanet 140162, MedGen C0027672, MeSH D009386, MONDO:0015356.
Breast carcinoma. Also called: Carcinoma of breast. Identifiers: MedGen C0678222, MONDO:0004989, HP:0003002.

Allele frequency attached by ClinVar (database versions not stated): gnomAD below 0.00001 and 0.00003; gnomAD exomes 0.00007 and 0.00014; ExAC 0.00012; 1000 Genomes Project 30x 0.00016; 1000 Genomes Project 0.00020.
gnomAD v4.1: 102 of 1,613,966 alleles (0.0063%); highest among the groups gnomAD compares: South Asian, 0.11%; no homozygotes.

Submissions 1 to 11 of 23:

Labcorp Genetics (formerly Invitae), Labcorp
Classification: Pathogenic for Familial cancer of breast. Last evaluated: 2026-02-02. Review status: criteria provided, single submitter. Criteria: Invitae Variant Classification Sherloc (09022015). Collection method: clinical testing. Allele origin: germline.
Comment: This sequence change creates a premature translational stop signal (p.Gln20*) in the CHEK2 gene. It is expected to result in an absent or disrupted protein product. Loss-of-function variants in CHEK2 are known to be pathogenic (PMID: 21876083, 24713400). This variant is present in population databases (rs536907995, gnomAD 0.1%), and has an allele count higher than expected for a pathogenic variant. This premature translational stop signal has been observed in individual(s) with breast and ovarian cancer (PMID: 26023681, 27039729, 27510020, 28724667). ClinVar contains an entry for this variant (Variation ID: 133887). For these reasons, this variant has been classified as Pathogenic.

Quest Diagnostics Nichols Institute San Juan Capistrano
Classification: Pathogenic. Last evaluated: 2025-01-23. Review status: criteria provided, single submitter. Criteria: Quest Diagnostics criteria. Collection method: clinical testing. Allele origin: unknown.
Comment: The CHEK2 c.58C>T (p.Gln20*) variant causes the premature termination of CHEK2 protein synthesis. This variant has been reported in the published literature in individuals with breast cancer (PMID: 35710434 (2022), 32923877 (2020), 32658311 (2021), 32885271 (2021), 29356917 (2018), 28724667 (2017), 27510020 (2016)). This variant has also been identified in reportedly healthy individuals (PMID: 33471991 (2021), 24728327 (2014), see also LOVD). The frequency of this variant in the general population (Genome Aggregation Database) is consistent with pathogenicity. Based on the available information, this variant is classified as pathogenic.

Color Diagnostics, LLC DBA Color Health
Classification: Likely pathogenic for Hereditary cancer-predisposing syndrome. Last evaluated: 2024-09-16. Review status: criteria provided, single submitter. Criteria: ACMG Guidelines, 2015. Collection method: clinical testing. Allele origin: germline.
Comment: This variant changes 1 nucleotide in exon 2 of the CHEK2 gene, creating a premature translation stop signal. This variant is expected to result in an absent or non-functional protein product. This variant has been reported in individuals affected with breast cancer (PMID: 27039729, 28724667, 32658311, 32885271), an individual affected with ovarian cancer (PMID: 32885271) and an unaffected individual (PMID: 33471991; Leiden Open Variation Database DB-ID CHEK2_000005). This variant has also been observed in an individual affected with breast and ovarian cancer, who carried a pathogenic variant in the BRCA2 gene (PMID: 26023681). This variant is found at a high frequency in the South Asian population (0.1145%, 35/30544 chromosomes) by the Genome Aggregation Database (gnomAD), suggesting its penetrance may be reduced relative to other pathogenic CHEK2 alleles. Loss of CHEK2 function is a known mechanism of disease. Based on the available evidence, this variant is classified as Likely Pathogenic.

Ambry Genetics
Classification: Pathogenic for Hereditary cancer-predisposing syndrome. Last evaluated: 2024-04-18. Review status: criteria provided, single submitter. Criteria: Ambry Variant Classification Scheme 2023. Collection method: clinical testing. Allele origin: germline.
Comment: The p.Q20* pathogenic mutation (also known as c.58C>T), located in coding exon 1 of the CHEK2 gene, results from a C to T substitution at nucleotide position 58. This changes the amino acid from a glutamine to a stop codon within coding exon 1. This alteration has also been observed in breast cancer cohorts (Baloch AH et al. Asian Pac. J. Cancer Prev. 2016;17:1089-92; Sun J et al. Clin Cancer Res 2017 Oct;23(20):6113-6119). In one case-control study, this alteration was not identified in 13087 breast cancer cases but was seen in 1/5488 control individuals in the United Kingdom; of note, study subjects were under the age of 55 years (Decker B et al. J Med Genet 2017 11;54(11):732-741). In addition to the clinical data presented in the literature, this alteration is expected to result in loss of function by premature protein truncation or nonsense-mediated mRNA decay. As such, this alteration is interpreted as a disease-causing mutation.

Genomic Medicine Center of Excellence, King Faisal Specialist Hospital and Research Centre
Classification: Likely pathogenic for CHEK2-related cancer predisposition. Last evaluated: 2024-04-04. Review status: criteria provided, single submitter. Criteria: ACMG Guidelines, 2015. Collection method: clinical testing. Allele origin: germline.

KCCC/NGS Laboratory, Kuwait Cancer Control Center
Classification: Pathogenic for Familial cancer of breast. Last evaluated: 2023-09-13. Review status: criteria provided, single submitter. Criteria: ACMG Guidelines, 2015. Collection method: clinical testing. Allele origin: germline. Inheritance: Autosomal dominant inheritance. Affected: yes. Observed: 1 heterozygote.
Comment: A pathogenic mutation was detected in the CHEK2 gene (c.58C>T).This sequence change creates a premature translational stop signal (p.Gln20*) in the CHEK2 gene. This variant is expected to result in an absent or non-functional protein product. Loss-of-function variants in CHEK2 are known to be pathogenic (PMID: 21876083, 24713400). This variant Not observed at a significant frequency in large population cohorts (gnomAD). This premature translational stop signal has been observed in individual(s) with breast and ovarian cancer (PMID: 26023681, 27039729, 27510020, 28724667). ClinVar contains an entry for this variant (Variation ID: 133887) classified as pathogenic with no conflict . For these reasons, this variant has been classified as Pathogenic.

Myriad Genetics, Inc.
Classification: Pathogenic for Familial cancer of breast. Last evaluated: 2023-03-09. Review status: criteria provided, single submitter. Criteria: Myriad Autosomal Dominant, Autosomal Recessive and X-Linked Classification Criteria (2023). Collection method: clinical testing. Allele origin: unknown.
Comment: This variant is considered pathogenic. This variant creates a termination codon and is predicted to result in premature protein truncation.

Baylor Genetics
Classification: Pathogenic for Familial cancer of breast. Last evaluated: 2023-01-17. Review status: criteria provided, single submitter. Criteria: ACMG Guidelines, 2015. Collection method: clinical testing. Allele origin: unknown.

Mendelics
Classification: Pathogenic for Familial cancer of breast. Last evaluated: 2022-05-04. Review status: criteria provided, single submitter. Criteria: Mendelics Assertion Criteria 2019. Collection method: clinical testing. Allele origin: germline.

GeneDx
Classification: Likely pathogenic. Last evaluated: 2022-02-03. Review status: criteria provided, single submitter. Criteria: GeneDx Variant Classification Process June 2021. Collection method: clinical testing. Allele origin: germline. Affected: yes.
Comment: Nonsense variant predicted to result in protein truncation or nonsense mediated decay in a gene for which loss-of-function is a known mechanism of disease; Not observed at a significant frequency in large population cohorts (gnomAD); Observed in individuals with a personal or family history of CHEK2-related cancers in published literature (Foley 2015, Baloch 2016, Scarpa 2017, Sun 2017, Fan 2018, Akcay 2020); This variant is associated with the following publications: (PMID: 26023681, 28724667, 28199314, 27039729, 24728327, 27510020, 29356917, 28779002, 29922827, 28553140, 32658311)

Sema4
Classification: Pathogenic for Hereditary cancer-predisposing syndrome. Last evaluated: 2021-12-21. Review status: criteria provided, single submitter. Criteria: Sema4 Curation Guidelines. Collection method: curation. Allele origin: germline.
Comment: The CHEK2 c.58C>T (p.Q20X) variant has been reported in at least 5 individuals with breast cancer and ovarian carcinoma (PMID: 26023681, 27039729, 28779002, 28724667, 32658311, 32885271). This nonsense variant creates a premature stop codon at residue 20 of the CHEK2 protein. At this location, this is predicted to cause nonsense-mediated decay and result in an absent protein (loss of function). Loss-of-function variants in CHEK2 are known to be pathogenic (PMID: 21876083, 24713400). This variant is reported in 35/30544 chromosomes in South Asian population according to the Genome Aggregation Database (PMID: 32461654). This variant has been reported in ClinVar (Variation ID 133887). Based on the current evidence available, this variant is interpreted as pathogenic.